The following is an entry in ClinVar:

NM_005908.4(MANBA):c.536A>G (p.Asn179Ser)

Gene: MANBA (mannosidase beta; minus strand). Cytogenetic location: 4q24.
Variant type: single nucleotide variant.
Coding change: c.536A>G on transcript NM_005908.4 (MANE Select); coding-DNA position 536, A replaced by G.
Protein change: p.Asn179Ser; replaces asparagine 179 with serine.
Molecular consequence: missense variant.
Genome position (GRCh38, 1-based): chr4:102,722,884, T>C on the plus strand (A>G on the coding strand, the complement: MANBA is on the minus strand). VCF-style: chr4-102722884-T-C. GRCh37 (hg19) VCF-style: chr4-103644041-T-C.
Other names: short protein forms N179S.
Identifiers: ClinVar variation 1033040 (VCV001033040.3), dbSNP rs202004084, ClinGen allele CA3027197.
Genomic context (GRCh38, chr4:102,722,884, plus strand): 5'-CACCCCGTCCTCAAAAATAAAACCCGACCTGTTTGAGAGACCATTACCTTCCGAACAAAG[T>C]TGACATGGCATTCACCCTTCTGCACAAGTGGAGGGCAGTCTGGGGGAACCTGGTAGCGAG-3'
Protein context (NP_005899.3, residues 169-189): PLVQKGECHV[Asn179Ser]FVRKEQCSFS

ClinVar aggregate classification (germline): Uncertain significance. Review status: criteria provided, multiple submitters, no conflicts (2 of 4 stars). 3 submissions from 3 submitters: Uncertain significance (3). Last evaluated 2024-09-04.

Conditions:
Beta-D-mannosidosis (MANSB). Also called: LYSOSOMAL BETA-MANNOSIDASE DEFICIENCY; MANNOSIDOSIS, BETA A, LYSOSOMAL; BETA-MANNOSIDASE DEFICIENCY; Beta-Mannosidosis. Identifiers: Orphanet 118, MedGen C4048196, MONDO:0009562, OMIM 248510.
Inborn genetic diseases. Identifiers: MedGen C0950123, MeSH D030342.

Allele frequency attached by ClinVar (database versions not stated): ExAC 0.00002; gnomAD 0.00002; gnomAD exomes 0.00003 and 0.00012; TOPMed 0.00005; ESP Exome Variant Server 0.00015.
gnomAD v4.1: 170 of 1,614,040 alleles (0.011%); highest among the groups gnomAD compares: Non-Finnish European, 0.014%; no homozygotes.

Submissions (3):

Ambry Genetics
Classification: Uncertain significance for Inborn genetic diseases. Last evaluated: 2024-09-04. Review status: criteria provided, single submitter. Criteria: Ambry Variant Classification Scheme 2023. Collection method: clinical testing. Allele origin: germline.

Blueprint Genetics
Classification: Uncertain significance. Last evaluated: 2021-09-21. Review status: criteria provided, single submitter. Criteria: ACMG Guidelines, 2015. Collection method: clinical testing. Allele origin: germline.

Baylor Genetics
Classification: Uncertain significance for Beta-D-mannosidosis. Last evaluated: 2018-07-11. Review status: criteria provided, single submitter. Criteria: ACMG Guidelines, 2015. Collection method: clinical testing. Allele origin: unknown. Affected: yes.
Comment: This variant was determined to be of uncertain significance according to ACMG Guidelines, 2015 [PMID:25741868].